The following is an entry in ClinVar:

ClinVar aggregate classification (germline): Uncertain significance (1 of 4 stars; one submission).

Conditions:
Hereditary cancer-predisposing syndrome. Also called: Hereditary neoplastic syndrome; Neoplastic Syndromes, Hereditary; Tumor predisposition; Hereditary Cancer Syndrome. Identifiers: Orphanet 140162, MedGen C0027672, MeSH D009386, MONDO:0015356.

gnomAD v4.1: 1 of 1,609,288 alleles (0.000062%); highest among the groups gnomAD compares: African/African-American, 0.0013%; no homozygotes.

Submission:

Ambry Genetics
Classification: Uncertain significance for Hereditary cancer-predisposing syndrome. Last evaluated: 2025-01-20. Review status: criteria provided, single submitter. Criteria: Ambry Variant Classification Scheme 2023. Collection method: clinical testing. Allele origin: germline.
Comment: The p.Q815H variant (also known as c.2445G>C), located in coding exon 16 of the BRIP1 gene, results from a G to C substitution at nucleotide position 2445. The glutamine at codon 815 is replaced by histidine, an amino acid with highly similar properties. This amino acid position is conserved. In addition, the in silico prediction for this alteration is inconclusive. Based on the available evidence, the clinical significance of this variant remains unclear.

NM_032043.3(BRIP1):c.2445G>C (p.Gln815His)

Gene: BRIP1 (BRCA1 interacting DNA helicase 1; minus strand). Cytogenetic location: 17q23.2.
Variant type: single nucleotide variant.
Coding change: c.2445G>C on transcript NM_032043.3 (MANE Select); coding-DNA position 2445, G replaced by C.
Protein change: p.Gln815His; replaces glutamine 815 with histidine.
Molecular consequence: missense variant.
Genome position (GRCh38, 1-based): chr17:61,715,998, C>G on the plus strand (G>C on the coding strand, the complement: BRIP1 is on the minus strand). VCF-style: chr17-61715998-C-G. GRCh37 (hg19) VCF-style: chr17-59793359-C-G.
Other names: short protein forms Q815H.
Identifiers: ClinVar variation 3825677 (VCV003825677.1).